The following is an entry in ClinVar:

ClinVar aggregate classification (germline): Uncertain significance. Review status: criteria provided, multiple submitters, no conflicts (2 of 4 stars). 3 submissions from 3 submitters: Uncertain significance (3). Last evaluated 2024-06-17.

Conditions:
Cranioectodermal dysplasia 1 (CED1). Also called: LEVIN SYNDROME I. Identifiers: Orphanet 1515, MedGen C0432235, MONDO:0021093, OMIM 218330.

Allele frequency attached by ClinVar (database versions not stated): gnomAD 0.00003 and 0.00005; gnomAD exomes 0.00003 and 0.00004; TOPMed 0.00004; ExAC 0.00007.
gnomAD v4.1: 64 of 1,613,344 alleles (0.004%); highest among the groups gnomAD compares: Middle Eastern, 0.066%; no homozygotes.

Submissions (3):

Blueprint Genetics
Classification: Uncertain significance. Last evaluated: 2024-06-17. Review status: criteria provided, single submitter. Criteria: ACMG Guidelines, 2015. Collection method: clinical testing. Allele origin: germline.

Fulgent Genetics
Classification: Uncertain significance for Cranioectodermal dysplasia 1. Last evaluated: 2024-02-28. Review status: criteria provided, single submitter. Criteria: ACMG Guidelines, 2015. Collection method: clinical testing. Allele origin: germline.

Labcorp Genetics (formerly Invitae), Labcorp
Classification: Uncertain significance for Cranioectodermal dysplasia 1. Last evaluated: 2022-05-12. Review status: criteria provided, single submitter. Criteria: Invitae Variant Classification Sherloc (09022015). Collection method: clinical testing. Allele origin: germline.
Comment: This sequence change replaces glycine, which is neutral and non-polar, with serine, which is neutral and polar, at codon 650 of the IFT122 protein (p.Gly650Ser). This variant is present in population databases (rs758194778, gnomAD 0.007%). This variant has not been reported in the literature in individuals affected with IFT122-related conditions. Algorithms developed to predict the effect of missense changes on protein structure and function are either unavailable or do not agree on the potential impact of this missense change (SIFT: "Tolerated"; PolyPhen-2: "Probably Damaging"; Align-GVGD: "Class C0"). Algorithms developed to predict the effect of sequence changes on RNA splicing suggest that this variant may create or strengthen a splice site. In summary, the available evidence is currently insufficient to determine the role of this variant in disease. Therefore, it has been classified as a Variant of Uncertain Significance.

NM_052989.3(IFT122):c.1795G>A (p.Gly599Ser)

Gene: IFT122 (intraflagellar transport 122; plus strand). Cytogenetic location: 3q21.3.
Variant type: single nucleotide variant.
Coding change: c.1795G>A on transcript NM_052989.3 (MANE Select); coding-DNA position 1795, G replaced by A.
Protein change: p.Gly599Ser; replaces glycine 599 with serine.
Molecular consequence: missense variant.
Genome position (GRCh38, 1-based): chr3:129,483,626, G>A. VCF-style: chr3-129483626-G-A. GRCh37 (hg19) VCF-style: chr3-129202469-G-A.
Other names: c.1771G>A, p.Gly591Ser (NM_001280541.2); c.1345G>A, p.Gly449Ser (NM_001280545.2); c.1168G>A, p.Gly390Ser (NM_001280546.2); c.1618G>A, p.Gly540Ser (NM_018262.4); c.1948G>A, p.Gly650Ser (NM_052985.4); c.1462G>A, p.Gly488Ser (NM_052990.3); short protein forms G488S, G650S, G449S, G540S, G591S, G599S, G390S.
Identifiers: ClinVar variation 1362790 (VCV001362790.7), dbSNP rs758194778, ClinGen allele CA2606293.